The following is an entry in ClinVar:

NM_006648.4(WNK2):c.3212G>C (p.Ser1071Thr)

Gene: WNK2 (WNK lysine deficient protein kinase 2; plus strand). Cytogenetic location: 9q22.31.
Variant type: single nucleotide variant.
Coding change: c.3212G>C on transcript NM_006648.4 (MANE Select); coding-DNA position 3212, G replaced by C.
Protein change: p.Ser1071Thr; replaces serine 1071 with threonine.
Molecular consequence: missense variant.
Genome position (GRCh38, 1-based): chr9:93,261,959, G>C. VCF-style: chr9-93261959-G-C. GRCh37 (hg19) VCF-style: chr9-96024241-G-C.
Other names: c.3212G>C, p.Ser1071Thr (NM_001282394.3); short protein forms S1071T.
Identifiers: ClinVar variation 3981741 (VCV003981741.1).

ClinVar aggregate classification (germline): Uncertain significance (1 of 4 stars; one submission).

gnomAD v4.1: 21 of 1,611,656 alleles (0.0013%); highest among the groups gnomAD compares: Non-Finnish European, 0.0017%; no homozygotes.

Submission:

Ambry Genetics
Classification: Uncertain significance. Last evaluated: 2025-03-28. Review status: criteria provided, single submitter. Criteria: Ambry Variant Classification Scheme 2023. Collection method: clinical testing. Allele origin: germline.
Comment: The p.S1071T variant (also known as c.3212G>C), located in coding exon 12 of the WNK2 gene, results from a G to C substitution at nucleotide position 3212. The serine at codon 1071 is replaced by threonine, an amino acid with similar properties. This amino acid position is conserved. In addition, this alteration is predicted to be tolerated by in silico analysis. Based on the available evidence, the clinical significance of this variant remains unclear.